The following is an entry in ClinVar:

NM_000138.5(FBN1):c.706A>C (p.Ile236Leu)

Gene: FBN1 (fibrillin 1; minus strand). Cytogenetic location: 15q21.1.
Variant type: single nucleotide variant.
Coding change: c.706A>C on transcript NM_000138.5 (MANE Select); coding-DNA position 706, A replaced by C.
Protein change: p.Ile236Leu; replaces isoleucine 236 with leucine.
Molecular consequence: missense variant.
Genome position (GRCh38, 1-based): chr15:48,537,641, T>G on the plus strand (A>C on the coding strand, the complement: FBN1 is on the minus strand). VCF-style: chr15-48537641-T-G. GRCh37 (hg19) VCF-style: chr15-48829838-T-G.
Other names: c.706A>C, p.Ile236Leu (NM_001406716.1, NM_001406717.1); short protein forms I236L.
Identifiers: ClinVar variation 2773398 (VCV002773398.2), dbSNP rs1354257178, ClinGen allele CA392445842.

ClinVar aggregate classification (germline): Uncertain significance (1 of 4 stars; one submission).

Conditions:
Familial thoracic aortic aneurysm and aortic dissection (TAAD). Also called: Thoracic aortic aneurysms and dissections. Identifiers: Orphanet 91387, MedGen C4707243, MONDO:0019625.

Allele frequency attached by ClinVar (database versions not stated): TOPMed below 0.00001; gnomAD 0.00001.
gnomAD v4.1: 1 of 1,614,114 alleles (0.000062%); highest among the groups gnomAD compares: Non-Finnish European, 0.000085%; no homozygotes.

Submission:

Color Diagnostics, LLC DBA Color Health
Classification: Uncertain significance for Familial thoracic aortic aneurysm and aortic dissection. Last evaluated: 2023-01-09. Review status: criteria provided, single submitter. Criteria: ACMG Guidelines, 2015. Collection method: clinical testing. Allele origin: germline.
Comment: This missense variant replaces isoleucine with leucine at codon 236 of the FBN1 protein. Computational prediction is inconclusive regarding the impact of this variant on protein structure and function (internally defined REVEL score threshold 0.5 < inconclusive < 0.7, PMID: 27666373). To our knowledge, functional studies have not been reported for this variant. This variant has not been reported in individuals affected with FBN1-related disorders in the literature. This variant has not been identified in the general population by the Genome Aggregation Database (gnomAD). The available evidence is insufficient to determine the role of this variant in disease conclusively. Therefore, this variant is classified as a Variant of Uncertain Significance.